The following is an entry in ClinVar:

ClinVar aggregate classification (germline): Likely benign. Review status: criteria provided, multiple submitters, no conflicts (2 of 4 stars). 2 submissions from 2 submitters: Likely benign (2). Last evaluated 2022-05-24.

Conditions:
Porokeratosis 3, disseminated superficial actinic type (POROK3). Also called: POROKERATOSIS, DISSEMINATED SUPERFICIAL ACTINIC, 1; POROKERATOSIS 3, MULTIPLE TYPES; POROKERATOSIS 3, MIBELLI TYPE. Identifiers: MedGen C1867981, MONDO:0008293, OMIM 175900.
Mevalonic aciduria (MEVA). Identifiers: Orphanet 29, MedGen C1959626, MONDO:0012481, OMIM 610377.
Hyperimmunoglobulin D with periodic fever (HIDS). Also called: HYPERIMMUNOGLOBULINEMIA D AND PERIODIC FEVER SYNDROME; Hyperimmunoglobulinemia D; Hyperimmunoglobulinemia D with periodic fever. Identifiers: Orphanet 343, MedGen C0398691, MONDO:0009849, OMIM 260920.

Allele frequency attached by ClinVar (database versions not stated): gnomAD exomes 0.00011 and 0.00034; TOPMed 0.00018; gnomAD 0.00029; ExAC 0.00050; 1000 Genomes Project 30x 0.00078; 1000 Genomes Project 0.00100.
gnomAD v4.1: 183 of 1,568,760 alleles (0.012%); highest among the groups gnomAD compares: East Asian, 0.32%; 1 homozygote.

Submissions (2):

Fulgent Genetics
Classification: Likely benign for Porokeratosis 3, disseminated superficial actinic type; Hyperimmunoglobulin D with periodic fever; Mevalonic aciduria. Last evaluated: 2022-05-24. Review status: criteria provided, single submitter. Criteria: ACMG Guidelines, 2015. Collection method: clinical testing. Allele origin: unknown.

GeneDx
Classification: Likely benign. Last evaluated: 2018-04-10. Review status: criteria provided, single submitter. Criteria: GeneDx Variant Classification (06012015). Collection method: clinical testing. Allele origin: germline. Affected: yes.
Comment: This variant is considered likely benign or benign based on one or more of the following criteria: it is a conservative change, it occurs at a poorly conserved position in the protein, it is predicted to be benign by multiple in silico algorithms, and/or has population frequency not consistent with disease.

NM_000431.4(MVK):c.-14-17T>C

Gene: MVK (mevalonate kinase; plus strand). Cytogenetic location: 12q24.11.
Variant type: single nucleotide variant.
Coding change: c.-14-17T>C on transcript NM_000431.4 (MANE Select); 17 bases into the intron before 14 bases upstream of the start codon, T replaced by C.
Molecular consequence: intron variant.
Genome position (GRCh38, 1-based): chr12:109,574,792, T>C. VCF-style: chr12-109574792-T-C. GRCh37 (hg19) VCF-style: chr12-110012597-T-C.
Other names: c.-14-17T>C (NM_001301182.2); c.-5-26T>C (NM_001114185.3).
Identifiers: ClinVar variation 669086 (VCV000669086.2), dbSNP rs186232847, ClinGen allele CA6779125.
Genomic context (GRCh38, chr12:109,574,792, plus strand): 5'-CTAGGTGTTCTAAGATCTCTTCCTGCTGGTTCTGACATCTAGAGATCTTTGCTCTTCTCA[T>C]TGGCTTTCCCTTTTAGGATTCCCAGGAGCCATGTTGTCAGAAGTCCTACTGGTGTCTGCT-3'